The following is an entry in ClinVar:

NM_012208.4(HARS2):c.73G>C (p.Ala25Pro)

Genes: HARS2 (histidyl-tRNA synthetase 2, mitochondrial; plus strand), LOC119407423 (HARS1 and HARS2 bidirectional promoter region; plus strand). Cytogenetic location: 5q31.3.
Variant type: single nucleotide variant.
Coding change: c.73G>C on transcript NM_012208.4 (MANE Select); coding-DNA position 73, G replaced by C.
Protein change: p.Ala25Pro; replaces alanine 25 with proline.
Molecular consequence: missense variant. On other transcripts: 5 prime UTR variant (1), intron variant (1).
Genome position (GRCh38, 1-based): chr5:140,691,721, G>C. VCF-style: chr5-140691721-G-C. GRCh37 (hg19) VCF-style: chr5-140071306-G-C.
Other names: c.73G>C, p.Ala25Pro (NM_001278731.2, NM_001363535.2); c.-238G>C (NM_001278732.2); c.-325-74G>C (NM_001363536.2); short protein forms A25P.
Identifiers: ClinVar variation 3361452 (VCV003361452.1).

ClinVar aggregate classification (germline): Uncertain significance (1 of 4 stars; one submission).

gnomAD v4.1: 1 of 1,552,614 alleles (0.000064%); highest among the groups gnomAD compares: East Asian, 0.0024%; no homozygotes.

Submission:

GeneDx
Classification: Uncertain significance. Last evaluated: 2023-07-24. Review status: criteria provided, single submitter. Criteria: GeneDx Variant Classification Process June 2021. Collection method: clinical testing. Allele origin: germline. Affected: yes.
Comment: Not observed at significant frequency in large population cohorts (gnomAD); In silico analysis supports that this missense variant does not alter protein structure/function; Has not been previously published as pathogenic or benign to our knowledge